The following is an entry in ClinVar:

ClinVar aggregate classification (germline): Pathogenic/Likely pathogenic. Review status: criteria provided, multiple submitters, no conflicts (2 of 4 stars). 3 submissions from 3 submitters: Pathogenic (1); Likely pathogenic (2). Last evaluated 2024-10-03.

Conditions:
Polycystic kidney disease 4 (PKD4). Also called: Autosomal Recessive Polycystic Kidney Disease – PKHD1; POLYCYSTIC KIDNEY AND HEPATIC DISEASE 1; POLYCYSTIC KIDNEY DISEASE, INFANTILE, TYPE I; POLYCYSTIC KIDNEY DISEASE 4 WITH OR WITHOUT POLYCYSTIC LIVER DISEASE; PKD3. Identifiers: MedGen C4540575, MONDO:0033004, OMIM 263200.
Autosomal recessive polycystic kidney disease (ARPKD). Also called: AR polycystic kidney disease. Identifiers: Orphanet 731, Orphanet 8378, MedGen C0085548, MeSH D017044, MONDO:0009889.

Submissions (3):

Natera, Inc.
Classification: Likely pathogenic for Autosomal recessive polycystic kidney disease. Last evaluated: 2024-10-03. Review status: criteria provided, single submitter. Criteria: Natera Variant Classification Schema (03/2026). Collection method: clinical testing. Allele origin: germline.
Comment: The c.10648delG variant in PKHD1 is a frameshift variant predicted to shift the reading frame beginning at codon 3550 and leads to a stop codon 18 codons downstream. This variant is expected to result in nonsense mediated decay, truncation, or a dysfunctional protein product. This variant is rare in the general population with a frequency below the threshold expected for the associated phenotype(s). Given the available evidence, this variant is classified as Likely Pathogenic.

Baylor Genetics
Classification: Likely pathogenic for Polycystic kidney disease 4. Last evaluated: 2023-03-04. Review status: criteria provided, single submitter. Criteria: ACMG Guidelines, 2015. Collection method: clinical testing. Allele origin: unknown.

Labcorp Genetics (formerly Invitae), Labcorp
Classification: Pathogenic for Autosomal recessive polycystic kidney disease. Last evaluated: 2022-08-03. Review status: criteria provided, single submitter. Criteria: Invitae Variant Classification Sherloc (09022015). Collection method: clinical testing. Allele origin: germline.
Comment: This sequence change creates a premature translational stop signal (p.Glu3550Argfs*18) in the PKHD1 gene. It is expected to result in an absent or disrupted protein product. Loss-of-function variants in PKHD1 are known to be pathogenic (PMID: 19940839). This variant is not present in population databases (gnomAD no frequency). This variant has not been reported in the literature in individuals affected with PKHD1-related conditions. For these reasons, this variant has been classified as Pathogenic.

Literature cited by the submitters: PubMed 19940839 (cited by Labcorp Genetics (formerly Invitae), Labcorp).

NM_138694.4(PKHD1):c.10648del (p.Glu3550fs)

Gene: PKHD1 (PKHD1 ciliary IPT domain containing fibrocystin/polyductin; minus strand). Cytogenetic location: 6p12.3.
Variant type: Deletion.
Coding change: c.10648del on transcript NM_138694.4 (MANE Select); coding-DNA position 10648, one base deleted (G; older notation c.10648delG).
Protein change: p.Glu3550fs; shifts the reading frame from glutamic acid 3550.
Molecular consequence: frameshift variant.
Genome position (GRCh38, 1-based): chr6:51,659,478, C deleted on the plus strand (G on the coding strand, the reverse complement: PKHD1 is on the minus strand). VCF-style (leftmost placement, unchanged base first): chr6-51659477-TC-T. GRCh37 (hg19) VCF-style: chr6-51524275-TC-T.
Other names: c.10648delG (NM_138694.3); short protein forms E3550fs.
Identifiers: ClinVar variation 1938644 (VCV001938644.7), dbSNP rs2533443743, ClinGen allele CA2580075434.